The following is an entry in ClinVar:

NM_205850.3(SLC24A5):c.386-9T>G

Gene: SLC24A5 (solute carrier family 24 member 5; plus strand). Cytogenetic location: 15q21.1.
Variant type: single nucleotide variant.
Coding change: c.386-9T>G on transcript NM_205850.3 (MANE Select); 9 bases into the intron before coding-DNA position 386, T replaced by G.
Molecular consequence: intron variant.
Genome position (GRCh38, 1-based): chr15:48,134,426, T>G. VCF-style: chr15-48134426-T-G. GRCh37 (hg19) VCF-style: chr15-48426623-T-G.
Identifiers: ClinVar variation 1424758 (VCV001424758.6), dbSNP rs2140728484, ClinGen allele CA2573150758.

ClinVar aggregate classification (germline): Uncertain significance (1 of 4 stars; one submission).

Allele frequency attached by ClinVar (database versions not stated): gnomAD exomes below 0.00001.
gnomAD v4.1: 1 of 1,611,310 alleles (0.000062%); highest among the groups gnomAD compares: Non-Finnish European, 0.000085%; no homozygotes.

Submission:

Labcorp Genetics (formerly Invitae), Labcorp
Classification: Uncertain significance. Last evaluated: 2024-10-25. Review status: criteria provided, single submitter. Criteria: Invitae Variant Classification Sherloc (09022015). Collection method: clinical testing. Allele origin: germline.
Comment: This sequence change falls in intron 3 of the SLC24A5 gene. It does not directly change the encoded amino acid sequence of the SLC24A5 protein. This variant is not present in population databases (gnomAD no frequency). This variant has not been reported in the literature in individuals affected with SLC24A5-related conditions. ClinVar contains an entry for this variant (Variation ID: 1424758). Algorithms developed to predict the effect of sequence changes on RNA splicing suggest that this variant may disrupt the consensus splice site. In summary, the available evidence is currently insufficient to determine the role of this variant in disease. Therefore, it has been classified as a Variant of Uncertain Significance.